The following is an entry in ClinVar:

ClinVar aggregate classification (germline): Uncertain significance (1 of 4 stars; one submission).

Conditions:
Hereditary cancer-predisposing syndrome. Also called: Neoplastic Syndromes, Hereditary; Tumor predisposition; Hereditary neoplastic syndrome; Hereditary Cancer Syndrome. Identifiers: Orphanet 140162, MedGen C0027672, MeSH D009386, MONDO:0015356.

Submission:

Ambry Genetics
Classification: Uncertain significance for Hereditary cancer-predisposing syndrome. Last evaluated: 2026-07-08. Review status: criteria provided, single submitter. Criteria: Ambry Variant Classification Scheme 2023. Collection method: clinical testing. Allele origin: germline.
Comment: The p.P1401L variant (also known as c.4202C>T), located in coding exon 20 of the MET gene, results from a C to T substitution at nucleotide position 4202. The proline at codon 1401 is replaced by leucine, an amino acid with similar properties. This amino acid position is conserved. In addition, this alteration is predicted to be tolerated by in silico analysis. Based on the available evidence, the clinical significance of this variant remains unclear.

NM_000245.4(MET):c.4148C>T (p.Pro1383Leu)

Gene: MET (MET proto-oncogene, receptor tyrosine kinase; plus strand). Cytogenetic location: 7q31.2.
Variant type: single nucleotide variant.
Coding change: c.4148C>T on transcript NM_000245.4 (MANE Select); coding-DNA position 4148, C replaced by T.
Protein change: p.Pro1383Leu; replaces proline 1383 with leucine.
Molecular consequence: missense variant.
Genome position (GRCh38, 1-based): chr7:116,796,099, C>T. VCF-style: chr7-116796099-C-T. GRCh37 (hg19) VCF-style: chr7-116436153-C-T.
Other names: c.4202C>T, p.Pro1401Leu (NM_001127500.3); c.2858C>T, p.Pro953Leu (NM_001324402.2); short protein forms P1401L, P953L, P1383L.
Identifiers: ClinVar variation 5024341 (VCV005024341.1).